The following is an entry in ClinVar:

ClinVar aggregate classification (germline): Pathogenic (1 of 4 stars; one submission).

Submission:

Labcorp Genetics (formerly Invitae), Labcorp
Classification: Pathogenic. Last evaluated: 2022-07-12. Review status: criteria provided, single submitter. Criteria: Invitae Variant Classification Sherloc (09022015). Collection method: clinical testing. Allele origin: germline.
Comment: For these reasons, this variant has been classified as Pathogenic. This variant has not been reported in the literature in individuals affected with IFT43-related conditions. This variant is a gross deletion of the genomic region encompassing exon(s) 1-2 of the IFT43 gene, which includes the initiator codon. This deletion extends beyond the assayed region for this gene and therefore may encompass additional genes. It is expected to result in an absent or disrupted protein product. Loss-of-function variants in IFT43 are known to be pathogenic (PMID: 21378380, 28400947).

Literature cited by the submitters: PubMed 21378380; PubMed 28400947.

NC_000014.8:g.(?_76420747)_(76455340_?)del

Genes: IFT43 (intraflagellar transport 43; plus strand), TGFB3 (transforming growth factor beta 3; minus strand), TTLL5 (tubulin tyrosine ligase like 5; plus strand). Cytogenetic location: 14q24.3.
Variant type: Deletion.
Identifiers: ClinVar variation 2427153 (VCV002427153.4).